The following is an entry in ClinVar:

NM_001042492.3(NF1):c.2147_2148insCAGAGGT (p.Glu716fs)

Gene: NF1 (neurofibromin 1; plus strand). Cytogenetic location: 17q11.2.
Variant type: Insertion.
Coding change: c.2147_2148insCAGAGGT on transcript NM_001042492.3 (MANE Select); coding-DNA positions 2147 to 2148, CAGAGGT inserted.
Protein change: p.Glu716fs; shifts the reading frame from glutamic acid 716.
Molecular consequence: frameshift variant.
Genome position: GRCh38 VCF-style: chr17-31226580-A-ACAGAGGT. GRCh37 (hg19) VCF-style: chr17-29553598-A-ACAGAGGT.
Other names: c.2147_2148insCAGAGGT, p.Glu716fs (NM_000267.4); short protein forms E716fs.
Identifiers: ClinVar variation 4719302 (VCV004719302.1).
Genomic context (GRCh38, chr17:31,226,580, plus strand): 5'-GGAACCCTGACACTGAAGCTGTTCTGGTTGCCATGTCCTGTTTCCGCCACCTCTGTGAGG[A>ACAGAGGT]AGCAGATATCCGGTGTGGGGTGGATGAAGTGTCAGTGCATAACCTCTTGCCCAACTATAA-3'

ClinVar aggregate classification (germline): Pathogenic (1 of 4 stars; one submission).

Conditions:
Neurofibromatosis, type 1 (NF1). Also called: NEUROFIBROMATOSIS, TYPE I, SOMATIC; VON RECKLINGHAUSEN DISEASE; Peripheral type neurofibromatosis; Neurofibromatosis, type I. Identifiers: Orphanet 636, MedGen C0027831, MONDO:0018975, OMIM 162200. Disease mechanism: loss of function.

Submission:

Labcorp Genetics (formerly Invitae), Labcorp
Classification: Pathogenic for Neurofibromatosis, type 1. Last evaluated: 2025-05-11. Review status: criteria provided, single submitter. Criteria: Invitae Variant Classification Sherloc (09022015). Collection method: clinical testing. Allele origin: germline.
Comment: This sequence change creates a premature translational stop signal (p.Glu716Aspfs*12) in the NF1 gene. It is expected to result in an absent or disrupted protein product. Loss-of-function variants in NF1 are known to be pathogenic (PMID: 10712197, 23913538). This variant is not present in population databases (gnomAD no frequency). This variant has not been reported in the literature in individuals affected with NF1-related conditions. For these reasons, this variant has been classified as Pathogenic.

Literature cited by the submitters: PubMed 10712197; PubMed 23913538.